The following is an entry in ClinVar:

NM_014225.6(PPP2R1A):c.1586C>T (p.Ala529Val)

Genes: PPP2R1A (protein phosphatase 2 scaffold subunit Aalpha; plus strand), LOC126862924 (BRD4-independent group 4 enhancer GRCh37_chr19:52724813-52726012; plus strand). Cytogenetic location: 19q13.41.
Variant type: single nucleotide variant.
Coding change: c.1586C>T on transcript NM_014225.6 (MANE Select); coding-DNA position 1586, C replaced by T.
Protein change: p.Ala529Val; replaces alanine 529 with valine.
Molecular consequence: missense variant. On other transcripts: non-coding transcript variant (1).
Genome position (GRCh38, 1-based): chr19:52,222,166, C>T. VCF-style: chr19-52222166-C-T. GRCh37 (hg19) VCF-style: chr19-52725419-C-T.
Other names: c.1049C>T, p.Ala350Val (NM_001363656.2); short protein forms A350V, A529V.
Identifiers: ClinVar variation 4823260 (VCV004823260.4).

ClinVar aggregate classification (germline): Uncertain significance (1 of 4 stars; one submission).

Submission:

CeGaT Center for Human Genetics Tuebingen
Classification: Uncertain significance. Last evaluated: 2026-04-01. Review status: criteria provided, single submitter. Criteria: CeGaT Center For Human Genetics Tuebingen Variant Classification Criteria Version 2. Collection method: clinical testing. Allele origin: germline. Affected: yes. Observed: 1 variant allele.
Comment: PPP2R1A: PM2